The following is an entry in ClinVar:

NM_018105.3(THAP1):c.46A>G (p.Lys16Glu)

Gene: THAP1 (THAP domain containing 1; minus strand). Cytogenetic location: 8p11.21.
Variant type: single nucleotide variant.
Coding change: c.46A>G on transcript NM_018105.3 (MANE Select); coding-DNA position 46, A replaced by G.
Protein change: p.Lys16Glu; replaces lysine 16 with glutamic acid.
Molecular consequence: missense variant.
Genome position (GRCh38, 1-based): chr8:42,843,049, T>C on the plus strand (A>G on the coding strand, the complement: THAP1 is on the minus strand). VCF-style: chr8-42843049-T-C. GRCh37 (hg19) VCF-style: chr8-42698192-T-C.
Other names: c.46A>G, p.Lys16Glu (NM_199003.2); short protein forms K16E.
Identifiers: ClinVar variation 2735166 (VCV002735166.3), dbSNP rs2487042104, ClinGen allele CA371109475.

ClinVar aggregate classification (germline): Likely pathogenic (1 of 4 stars; one submission).

Conditions:
Torsion dystonia 6 (DYT6). Also called: DYT-THAP1. Identifiers: Orphanet 98806, MedGen C1414216, MONDO:0011264, OMIM 602629.

Submission:

Labcorp Genetics (formerly Invitae), Labcorp
Classification: Likely pathogenic for Torsion dystonia 6. Last evaluated: 2025-12-26. Review status: criteria provided, single submitter. Criteria: Invitae Variant Classification Sherloc (09022015). Collection method: clinical testing. Allele origin: germline.
Comment: This sequence change replaces lysine, which is basic and polar, with glutamic acid, which is acidic and polar, at codon 16 of the THAP1 protein (p.Lys16Glu). This variant is not present in population databases (gnomAD no frequency). This missense change has been observed in individuals with clinical features of THAP1-related conditions (PMID: 21847143, 22377579; internal data). ClinVar contains an entry for this variant (Variation ID: 2735166). An algorithm developed to predict the effect of missense changes on protein structure and function (PolyPhen-2) suggests that this variant is likely to be disruptive. Experimental studies have shown that this missense change affects THAP1 function (PMID: 21847143). In summary, the currently available evidence indicates that the variant is pathogenic, but additional data are needed to prove that conclusively. Therefore, this variant has been classified as Likely Pathogenic.

Literature cited by the submitters: PubMed 21847143; PubMed 22377579.